The following is an entry in ClinVar:

ClinVar aggregate classification (germline): Uncertain significance (1 of 4 stars; one submission).

Conditions:
Progressive microcephaly-seizures-cortical blindness-developmental delay syndrome. Also called: Seizures, cortical blindness, and microcephaly syndrome. Identifiers: Orphanet 477814, MedGen C5567650, MONDO:0014714, OMIM 616632.
Autosomal dominant nonsyndromic hearing loss 1. Also called: KONIGSMARK SYNDROME; DEAFNESS, AUTOSOMAL DOMINANT 1, WITH OR WITHOUT THROMBOCYTOPENIA. Identifiers: Orphanet 90635, MedGen C1852282, MONDO:0007424, OMIM 124900.

gnomAD v4.1: 1 of 1,613,080 alleles (0.000062%); highest among the groups gnomAD compares: Non-Finnish European, 0.000085%; no homozygotes.

Submission:

Labcorp Genetics (formerly Invitae), Labcorp
Classification: Uncertain significance for Progressive microcephaly-seizures-cortical blindness-developmental delay syndrome; Autosomal dominant nonsyndromic hearing loss 1. Last evaluated: 2021-12-02. Review status: criteria provided, single submitter. Criteria: Invitae Variant Classification Sherloc (09022015). Collection method: clinical testing. Allele origin: germline.
Comment: In summary, the available evidence is currently insufficient to determine the role of this variant in disease. Therefore, it has been classified as a Variant of Uncertain Significance. Algorithms developed to predict the effect of missense changes on protein structure and function are either unavailable or do not agree on the potential impact of this missense change (SIFT: "Deleterious"; PolyPhen-2: "Not Available"; Align-GVGD: "Class C0"). This variant has not been reported in the literature in individuals affected with DIAPH1-related conditions. This variant is not present in population databases (gnomAD no frequency). This sequence change replaces proline, which is neutral and non-polar, with leucine, which is neutral and non-polar, at codon 589 of the DIAPH1 protein (p.Pro589Leu).

NM_005219.5(DIAPH1):c.1766C>T (p.Pro589Leu)

Gene: DIAPH1 (diaphanous related formin 1; minus strand). Cytogenetic location: 5q31.3.
Variant type: single nucleotide variant.
Coding change: c.1766C>T on transcript NM_005219.5 (MANE Select); coding-DNA position 1766, C replaced by T.
Protein change: p.Pro589Leu; replaces proline 589 with leucine.
Molecular consequence: missense variant.
Genome position (GRCh38, 1-based): chr5:141,574,084, G>A on the plus strand (C>T on the coding strand, the complement: DIAPH1 is on the minus strand). VCF-style: chr5-141574084-G-A. GRCh37 (hg19) VCF-style: chr5-140953651-G-A.
Other names: c.1739C>T, p.Pro580Leu (NM_001079812.3); c.1766C>T, p.Pro589Leu (NM_001314007.2); short protein forms P580L, P589L.
Identifiers: ClinVar variation 1375463 (VCV001375463.6), dbSNP rs953769579, ClinGen allele CA361521380.